The following is an entry in ClinVar:

NM_001365588.1(NLGN4Y):c.2136C>T (p.Ala712=)

Gene: NLGN4Y (neuroligin 4 Y-linked; plus strand). Cytogenetic location: Yq11.221.
Variant type: single nucleotide variant.
Coding change: c.2136C>T on transcript NM_001365588.1 (MANE Select); coding-DNA position 2136, C replaced by T.
Protein change: p.Ala712=; no amino-acid change (alanine 712 retained).
Molecular consequence: synonymous variant.
Genome position (GRCh38, 1-based): chrY:14,840,887, C>T. VCF-style: chrY-14840887-C-T. GRCh37 (hg19) VCF-style: chrY-16952767-C-T.
Other names: c.1572C>T, p.Ala524= (NM_001206850.2); c.2136C>T, p.Ala712= (NM_001365584.1, NM_001365586.1, NM_001394830.1); c.2076C>T, p.Ala692= (NM_001365590.1, NM_001365591.1, NM_001365592.1 and 3 more transcripts).
Identifiers: ClinVar variation 2661892 (VCV002661892.24), dbSNP rs373089425, ClinGen allele CA10574400.
Genomic context (GRCh38, chrY:14,840,887, plus strand): 5'-CACCGAATTAAGTGTCACCATTGCCGTCGGGGCGTCGCTCCTCTTCCTCAACATCTTAGC[C>T]TTTGCGGCGCTGTACTACAAAAAGGACAAGAGGCGCCATGAGACTCACAGGCACCCCAGT-3'
Protein context (NP_001352517.1, residues 702-722): GASLLFLNIL[Ala712=]FAALYYKKDK

ClinVar aggregate classification (germline): Likely benign (1 of 4 stars; one submission).

Allele frequency attached by ClinVar (database versions not stated): ESP Exome Variant Server 0.00041.

Submission:

CeGaT Center for Human Genetics Tuebingen
Classification: Likely benign. Last evaluated: 2023-04-01. Review status: criteria provided, single submitter. Criteria: CeGaT Center For Human Genetics Tuebingen Variant Classification Criteria Version 2. Collection method: clinical testing. Allele origin: germline. Affected: yes. Observed: 1 variant allele.
Comment: NLGN4Y: BP4, BP7